The following is an entry in ClinVar:

ClinVar aggregate classification (germline): Uncertain significance (1 of 4 stars; one submission).

Conditions:
Neutral lipid storage myopathy (NLSDM). Also called: NEUTRAL LIPID STORAGE DISEASE WITHOUT ICHTHYOSIS. Identifiers: Orphanet 98908, MedGen C1853136, MONDO:0012545, OMIM 610717.

gnomAD v4.1: 8 of 1,483,714 alleles (0.00054%); highest among the groups gnomAD compares: Non-Finnish European, 0.00072%; no homozygotes.

Submission:

Labcorp Genetics (formerly Invitae), Labcorp
Classification: Uncertain significance for Neutral lipid storage myopathy. Last evaluated: 2018-03-22. Review status: criteria provided, single submitter. Criteria: Invitae Variant Classification Sherloc (09022015). Collection method: clinical testing. Allele origin: germline.
Comment: In summary, the available evidence is currently insufficient to determine the role of this variant in disease. Therefore, it has been classified as a Variant of Uncertain Significance. Algorithms developed to predict the effect of missense changes on protein structure and function output the following: SIFT: "Tolerated"; PolyPhen-2: "Benign"; Align-GVGD: "Class C0". The lysine amino acid residue is found in multiple mammalian species, suggesting that this missense change does not adversely affect protein function. These predictions have not been confirmed by published functional studies and their clinical significance is uncertain. This variant has not been reported in the literature in individuals with PNPLA2-related disease. While this variant is not present in population databases, the frequency information is unreliable, as metrics indicate poor data quality at this position in the ExAC database. This sequence change replaces threonine with lysine at codon 41 of the PNPLA2 protein (p.Thr41Lys). The threonine residue is weakly conserved and there is a moderate physicochemical difference between threonine and lysine.

NM_020376.4(PNPLA2):c.122C>A (p.Thr41Lys)

Genes: PNPLA2 (patatin like domain 2, triacylglycerol lipase; plus strand), LOC130005097 (ATAC-STARR-seq lymphoblastoid silent region 3036; plus strand). Cytogenetic location: 11p15.5.
Variant type: single nucleotide variant.
Coding change: c.122C>A on transcript NM_020376.4 (MANE Select); coding-DNA position 122, C replaced by A.
Protein change: p.Thr41Lys; replaces threonine 41 with lysine.
Molecular consequence: missense variant.
Genome position (GRCh38, 1-based): chr11:819,840, C>A. VCF-style: chr11-819840-C-A. GRCh37 (hg19) VCF-style: chr11-819840-C-A.
Other names: short protein forms T41K.
Identifiers: ClinVar variation 566494 (VCV000566494.9), dbSNP rs1565085242, ClinGen allele CA378976920.